The following is an entry in ClinVar:

NM_002524.5(NRAS):c.450+4T>A

Gene: NRAS (NRAS proto-oncogene, GTPase; minus strand). Cytogenetic location: 1p13.2.
Variant type: single nucleotide variant.
Coding change: c.450+4T>A on transcript NM_002524.5 (MANE Select); 4 bases into the intron after coding-DNA position 450, T replaced by A.
Molecular consequence: intron variant.
Genome position (GRCh38, 1-based): chr1:114,709,565, A>T on the plus strand (T>A on the coding strand, the complement: NRAS is on the minus strand). VCF-style: chr1-114709565-A-T. GRCh37 (hg19) VCF-style: chr1-115252186-A-T.
Identifiers: ClinVar variation 4721583 (VCV004721583.1).

ClinVar aggregate classification (germline): Uncertain significance (1 of 4 stars; one submission).

Conditions:
RASopathy. Also called: rasopathies; Noonan spectrum disorder. Identifiers: Orphanet 536391, MedGen C5555857, MONDO:0021060.

Submission:

Labcorp Genetics (formerly Invitae), Labcorp
Classification: Uncertain significance for RASopathy. Last evaluated: 2025-06-17. Review status: criteria provided, single submitter. Criteria: Invitae Variant Classification Sherloc (09022015). Collection method: clinical testing. Allele origin: germline.
Comment: This sequence change falls in intron 4 of the NRAS gene. It does not directly change the encoded amino acid sequence of the NRAS protein. It affects a nucleotide within the consensus splice site. This variant is not present in population databases (gnomAD no frequency). This variant has not been reported in the literature in individuals affected with NRAS-related conditions. Variants that disrupt the consensus splice site are a relatively common cause of aberrant splicing (PMID: 17576681, 9536098). Algorithms developed to predict the effect of sequence changes on RNA splicing suggest that this variant is not likely to affect RNA splicing. In summary, the available evidence is currently insufficient to determine the role of this variant in disease. Therefore, it has been classified as a Variant of Uncertain Significance.

Literature cited by the submitters: PubMed 17576681; PubMed 9536098.